The following is an entry in ClinVar:

ClinVar aggregate classification (germline): Benign (0 of 4 stars; one submission).

Conditions:
FSIP2-related disorder. Also called: FSIP2-related condition.

Allele frequency attached by ClinVar (database versions not stated): TOPMed 0.00030; gnomAD 0.00137; gnomAD exomes 0.00221; 1000 Genomes Project 30x 0.00937; 1000 Genomes Project 0.00938; ExAC 0.02308.

Submission:

PreventionGenetics, part of Exact Sciences
Classification: Benign for FSIP2-related condition. Last evaluated: 2019-10-28. Review status: no assertion criteria provided. Collection method: clinical testing. Allele origin: germline.
Comment: This variant is classified as benign based on ACMG/AMP sequence variant interpretation guidelines (Richards et al. 2015 PMID: 25741868, with internal and published modifications).

NM_173651.4(FSIP2):c.3794G>A (p.Arg1265His)

Genes: FSIP2 (fibrous sheath interacting protein 2; plus strand), FSIP2-AS1 (FSIP2 antisense RNA 1; minus strand). Cytogenetic location: 2q32.1.
Variant type: single nucleotide variant.
Coding change: c.3794G>A on transcript NM_173651.4 (MANE Select); coding-DNA position 3794, G replaced by A.
Protein change: p.Arg1265His; replaces arginine 1265 with histidine.
Molecular consequence: missense variant.
Genome position (GRCh38, 1-based): chr2:185,790,930, G>A. VCF-style: chr2-185790930-G-A. GRCh37 (hg19) VCF-style: chr2-186655657-G-A.
Other names: short protein forms R1265H.
Identifiers: ClinVar variation 3041888 (VCV003041888.2), dbSNP rs200959994, ClinGen allele CA2016626.
Genomic context (GRCh38, chr2:185,790,930, plus strand): 5'-GGTTAAAATCTGGAAAAAGTGAACCTAAACCTGTAGATGACATTAATGATAAGATCATTC[G>A]TACAATTTTTAAAAGACTGAAGTCATTTATTTGTCCAAAATTGCATATGGGCTTCAAATC-3'
Protein context (NP_775922.3, residues 1255-1275): PVDDINDKII[Arg1265His]TIFKRLKSFI